The following is an entry in ClinVar:

ClinVar aggregate classification (germline): Uncertain significance (1 of 4 stars; one submission).

Allele frequency attached by ClinVar (database versions not stated): gnomAD exomes below 0.00001; gnomAD 0.00001; TOPMed 0.00001.
gnomAD v4.1: 8 of 1,613,710 alleles (0.0005%); highest among the groups gnomAD compares: Non-Finnish European, 0.00068%; no homozygotes.

Submission:

Labcorp Genetics (formerly Invitae), Labcorp
Classification: Uncertain significance. Last evaluated: 2021-10-20. Review status: criteria provided, single submitter. Criteria: Invitae Variant Classification Sherloc (09022015). Collection method: clinical testing. Allele origin: germline.
Comment: This variant has not been reported in the literature in individuals affected with LCT-related conditions. In summary, the available evidence is currently insufficient to determine the role of this variant in disease. Therefore, it has been classified as a Variant of Uncertain Significance. Algorithms developed to predict the effect of missense changes on protein structure and function are either unavailable or do not agree on the potential impact of this missense change (SIFT: "Not Available"; PolyPhen-2: "Probably Damaging"; Align-GVGD: "Not Available"). This variant is not present in population databases (ExAC no frequency). This sequence change replaces phenylalanine with cysteine at codon 1523 of the LCT protein (p.Phe1523Cys). The phenylalanine residue is highly conserved and there is a large physicochemical difference between phenylalanine and cysteine.

NM_002299.4(LCT):c.4568T>G (p.Phe1523Cys)

Gene: LCT (lactase; minus strand). Cytogenetic location: 2q21.3.
Variant type: single nucleotide variant.
Coding change: c.4568T>G on transcript NM_002299.4 (MANE Select); coding-DNA position 4568, T replaced by G.
Protein change: p.Phe1523Cys; replaces phenylalanine 1523 with cysteine.
Molecular consequence: missense variant.
Genome position (GRCh38, 1-based): chr2:135,804,025, A>C on the plus strand (T>G on the coding strand, the complement: LCT is on the minus strand). VCF-style: chr2-135804025-A-C. GRCh37 (hg19) VCF-style: chr2-136561595-A-C.
Other names: short protein forms F1523C.
Identifiers: ClinVar variation 1388226 (VCV001388226.6), dbSNP rs2077648320, ClinGen allele CA348593887.
Genomic context (GRCh38, chr2:135,804,025, plus strand): 5'-GCAATGACAAAGGGCTCATTCAGCGTGATCCAAAACTTCACCTTGTCTCCCAGCCTCTGG[A>C]AGAGCACATCTGCATACTCCTTAAACCGCTGCACGATGGTCTCATTCTCCCAGCCTCCTA-3'
Protein context (NP_002290.2, residues 1513-1533): QRFKEYADVL[Phe1523Cys]QRLGDKVKFW